The following is an entry in ClinVar:

ClinVar aggregate classification (germline): Likely benign (1 of 4 stars; one submission).

Submission:

CeGaT Center for Human Genetics Tuebingen
Classification: Likely benign. Last evaluated: 2025-11-01. Review status: criteria provided, single submitter. Criteria: CeGaT Center For Human Genetics Tuebingen Variant Classification Criteria Version 2. Collection method: clinical testing. Allele origin: germline. Affected: yes. Observed: 1 variant allele.
Comment: IGKV2D-40: BP4, BP7

NC_000002.12:g.89852386C>T

Genes: IGKV2D-40 (immunoglobulin kappa variable 2D-40; plus strand), IGK (immunoglobulin kappa locus). Cytogenetic location: 2p11.2.
Variant type: single nucleotide variant.
Genome position: GRCh38 VCF-style: chr2-89852386-C-T. GRCh37 (hg19) VCF-style: chr2-89891196-C-T.
Identifiers: ClinVar variation 4534737 (VCV004534737.6).